The following is an entry in ClinVar:

ClinVar aggregate classification (germline): Uncertain significance (1 of 4 stars; one submission).

Conditions:
Hereditary cancer-predisposing syndrome. Also called: Hereditary Cancer Syndrome; Neoplastic Syndromes, Hereditary; Tumor predisposition; Hereditary neoplastic syndrome. Identifiers: Orphanet 140162, MedGen C0027672, MeSH D009386, MONDO:0015356.

Submission:

Ambry Genetics
Classification: Uncertain significance for Hereditary cancer-predisposing syndrome. Last evaluated: 2022-04-04. Review status: criteria provided, single submitter. Criteria: Ambry Variant Classification Scheme 2023. Collection method: clinical testing. Allele origin: germline.
Comment: The p.E181K variant (also known as c.541G>A), located in coding exon 5 of the PRKAR1A gene, results from a G to A substitution at nucleotide position 541. The glutamic acid at codon 181 is replaced by lysine, an amino acid with similar properties. This amino acid position is conserved. In addition, this alteration is predicted to be deleterious by in silico analysis. Since supporting evidence is limited at this time, the clinical significance of this alteration remains unclear.

NM_002734.5(PRKAR1A):c.541G>A (p.Glu181Lys)

Gene: PRKAR1A (protein kinase cAMP-dependent type I regulatory subunit alpha; plus strand). Cytogenetic location: 17q24.2.
Variant type: single nucleotide variant.
Coding change: c.541G>A on transcript NM_002734.5 (MANE Select); coding-DNA position 541, G replaced by A.
Protein change: p.Glu181Lys; replaces glutamic acid 181 with lysine.
Molecular consequence: missense variant.
Genome position (GRCh38, 1-based): chr17:68,524,950, G>A. VCF-style: chr17-68524950-G-A. GRCh37 (hg19) VCF-style: chr17-66521091-G-A.
Other names: c.541G>A, p.Glu181Lys (NM_001276289.2, NM_001276290.1, NM_001278433.2 and 4 more transcripts); short protein forms E181K.
Identifiers: ClinVar variation 1747431 (VCV001747431.2), dbSNP rs2509412938, ClinGen allele CA400753017.